The following is an entry in ClinVar:

NM_173728.4(ARHGEF15):c.2201G>A (p.Arg734His)

Gene: ARHGEF15 (Rho guanine nucleotide exchange factor 15; plus strand). Cytogenetic location: 17p13.1.
Variant type: single nucleotide variant.
Coding change: c.2201G>A on transcript NM_173728.4 (MANE Select); coding-DNA position 2201, G replaced by A.
Protein change: p.Arg734His; replaces arginine 734 with histidine.
Molecular consequence: missense variant.
Genome position (GRCh38, 1-based): chr17:8,319,326, G>A. VCF-style: chr17-8319326-G-A. GRCh37 (hg19) VCF-style: chr17-8222644-G-A.
Other names: c.2201G>A, p.Arg734His (NM_025014.2); short protein forms R734H.
Identifiers: ClinVar variation 461431 (VCV000461431.9), dbSNP rs775473270, ClinGen allele CA8375446.

ClinVar aggregate classification (germline): Uncertain significance (1 of 4 stars; one submission).

Conditions:
Early-infantile DEE. Also called: Early infantile epileptic encephalopathy with suppression bursts; Early infantile epileptic encephalopathy; Ohtahara syndrome. Identifiers: Orphanet 1934, MedGen C0393706, MONDO:0800491.

Allele frequency attached by ClinVar (database versions not stated): gnomAD 0.00001; gnomAD exomes 0.00002; TOPMed 0.00002; ExAC 0.00004.

Submission:

Labcorp Genetics (formerly Invitae), Labcorp
Classification: Uncertain significance for Early-infantile DEE. Last evaluated: 2017-02-08. Review status: criteria provided, single submitter. Criteria: Invitae Variant Classification Sherloc (09022015). Collection method: clinical testing. Allele origin: germline.
Comment: In summary, this variant is a rare missense change with uncertain impact on protein function. There is no indication that it causes disease, but the available evidence is currently insufficient to prove that conclusively. Therefore, it has been classified as a Variant of Uncertain Significance. Algorithms developed to predict the effect of missense changes on protein structure and function (SIFT, PolyPhen-2, Align-GVGD) all suggest that this variant is likely to be disruptive, but these predictions have not been confirmed by published functional studies. This variant is present in population databases (rs775473270, ExAC 0.01%) but has not been reported in the literature in individuals with an ARHGEF15-related disease. This sequence change replaces arginine with histidine at codon 734 of the ARHGEF15 protein (p.Arg734His). The arginine residue is highly conserved and there is a small physicochemical difference between arginine and histidine.